The following is an entry in ClinVar:

ClinVar aggregate classification (germline): Likely benign. Review status: criteria provided, multiple submitters, no conflicts (2 of 4 stars). 2 submissions from 2 submitters: Likely benign (2). Last evaluated 2026-01-29.

Conditions:
Peroxisome biogenesis disorder, complementation group 7 (CG7). Also called: Peroxisome biogenesis disorder, complementation group B. Identifiers: MedGen C1864399.
PEX10-related disorder. Also called: PEX10-related condition.

Allele frequency attached by ClinVar (database versions not stated): TOPMed 0.00001.

Submissions (2):

PreventionGenetics, part of Exact Sciences
Classification: Likely benign for PEX10-related condition. Last evaluated: 2026-01-29. Review status: criteria provided, single submitter. Criteria: ACMG Guidelines, 2015. Collection method: clinical testing. Allele origin: germline.
Comment: This variant is classified as likely benign based on ACMG/AMP sequence variant interpretation guidelines (Richards et al. 2015 PMID: 25741868, with internal and published modifications).

Labcorp Genetics (formerly Invitae), Labcorp
Classification: Likely benign for Peroxisome biogenesis disorder, complementation group 7. Last evaluated: 2025-05-13. Review status: criteria provided, single submitter. Criteria: Invitae Variant Classification Sherloc (09022015). Collection method: clinical testing. Allele origin: germline.

NM_002617.4(PEX10):c.117G>A (p.Ala39=)

Gene: PEX10 (peroxisomal biogenesis factor 10; minus strand). Cytogenetic location: 1p36.32.
Variant type: single nucleotide variant.
Coding change: c.117G>A on transcript NM_002617.4 (MANE Select); coding-DNA position 117, G replaced by A.
Protein change: p.Ala39=; no amino-acid change (alanine 39 retained).
Molecular consequence: synonymous variant. On other transcripts: 5 prime UTR variant (2), non-coding transcript variant (1).
Genome position (GRCh38, 1-based): chr1:2,410,447, C>T on the plus strand (G>A on the coding strand, the complement: PEX10 is on the minus strand). VCF-style: chr1-2410447-C-T. GRCh37 (hg19) VCF-style: chr1-2341886-C-T.
Other names: c.117G>A (NM_153818.1); c.117G>A, p.Ala39= (NM_001374425.1, NM_153818.2); c.-316G>A (NM_001374426.1, NM_001374427.1).
Identifiers: ClinVar variation 2750251 (VCV002750251.4), dbSNP rs556865194, ClinGen allele CA16946816.
Genomic context (GRCh38, chr1:2,410,447, plus strand): 5'-GCCAAAGTAGGCCACATCTGAGAGCAGCTCAACCTCCTTCCTCCACTCCAGCCACTTCCT[C>T]GCACCTGAGAGGAGAAACAGTATTAGTCCGGGGGAGCTGGTGGGCATCCTCTGAGGATGA-3'
Protein context (NP_002608.1, residues 29-49): AGGALHSLAG[Ala39=]RKWLEWRKEV